The following is an entry in ClinVar:

NM_006514.4(SCN10A):c.655G>A (p.Val219Ile)

Gene: SCN10A (sodium voltage-gated channel alpha subunit 10; minus strand). Cytogenetic location: 3p22.2.
Variant type: single nucleotide variant.
Coding change: c.655G>A on transcript NM_006514.4 (MANE Select); coding-DNA position 655, G replaced by A.
Protein change: p.Val219Ile; replaces valine 219 with isoleucine.
Molecular consequence: missense variant.
Genome position (GRCh38, 1-based): chr3:38,763,541, C>T on the plus strand (G>A on the coding strand, the complement: SCN10A is on the minus strand). VCF-style: chr3-38763541-C-T. GRCh37 (hg19) VCF-style: chr3-38805032-C-T.
Other names: c.655G>A, p.Val219Ile (NM_001293306.2, NM_001293307.2); short protein forms V219I.
Identifiers: ClinVar variation 3225690 (VCV003225690.1), dbSNP rs2470816201, ClinGen allele CA352172082.

ClinVar aggregate classification (germline): Uncertain significance (1 of 4 stars; one submission).

Conditions:
Cardiovascular phenotype. Identifiers: MedGen CN230736.

Submission:

Ambry Genetics
Classification: Uncertain significance for Cardiovascular phenotype. Last evaluated: 2023-09-24. Review status: criteria provided, single submitter. Criteria: Ambry Variant Classification Scheme 2023. Collection method: clinical testing. Allele origin: germline.
Comment: The p.V219I variant (also known as c.655G>A), located in coding exon 5 of the SCN10A gene, results from a G to A substitution at nucleotide position 655. The valine at codon 219 is replaced by isoleucine, an amino acid with highly similar properties. This amino acid position is conserved. In addition, the in silico prediction for this alteration is inconclusive. Since supporting evidence is limited at this time, the clinical significance of this alteration remains unclear.